The following is an entry in ClinVar:

ClinVar aggregate classification (germline): Uncertain significance (1 of 4 stars; one submission).

Conditions:
Idiopathic generalized epilepsy. Also called: EIG; Generalised epilepsy. Identifiers: MedGen C0270850, MONDO:0005579, OMIM 600669.

Allele frequency attached by ClinVar (database versions not stated): TOPMed 0.00003.
gnomAD v4.1: 3 of 1,612,630 alleles (0.00019%); highest among the groups gnomAD compares: Non-Finnish European, 0.00025%; no homozygotes.

Submission:

Labcorp Genetics (formerly Invitae), Labcorp
Classification: Uncertain significance for Idiopathic generalized epilepsy. Last evaluated: 2020-01-28. Review status: criteria provided, single submitter. Criteria: Invitae Variant Classification Sherloc (09022015). Collection method: clinical testing. Allele origin: germline.
Comment: This sequence change replaces aspartic acid with glutamic acid at codon 355 of the GABRD protein (p.Asp355Glu). The aspartic acid residue is moderately conserved and there is a small physicochemical difference between aspartic acid and glutamic acid. In summary, the available evidence is currently insufficient to determine the role of this variant in disease. Therefore, it has been classified as a Variant of Uncertain Significance. Algorithms developed to predict the effect of sequence changes on RNA splicing suggest that this variant may create or strengthen a splice site, but this prediction has not been confirmed by published transcriptional studies. Algorithms developed to predict the effect of missense changes on protein structure and function (SIFT, PolyPhen-2, Align-GVGD) all suggest that this variant is likely to be tolerated, but these predictions have not been confirmed by published functional studies and their clinical significance is uncertain. This variant has not been reported in the literature in individuals with GABRD-related disease. This variant is not present in population databases (ExAC no frequency).

NM_000815.5(GABRD):c.1065C>G (p.Asp355Glu)

Gene: GABRD (gamma-aminobutyric acid type A receptor subunit delta; plus strand). Cytogenetic location: 1p36.33.
Variant type: single nucleotide variant.
Coding change: c.1065C>G on transcript NM_000815.5 (MANE Select); coding-DNA position 1065, C replaced by G.
Protein change: p.Asp355Glu; replaces aspartic acid 355 with glutamic acid.
Molecular consequence: missense variant.
Genome position (GRCh38, 1-based): chr1:2,029,988, C>G. VCF-style: chr1-2029988-C-G. GRCh37 (hg19) VCF-style: chr1-1961427-C-G.
Other names: short protein forms D355E.
Identifiers: ClinVar variation 529515 (VCV000529515.8), dbSNP rs1031482653, ClinGen allele CA16891678.
Genomic context (GRCh38, chr1:2,029,988, plus strand): 5'-CCTGGGAGCTGCACCCCAGTGCTCAGCCCTGTCTCCCCCACCGGCCTTCGTGCAGATGGA[C>G]GTGAGGAACGCCATTGTCCTCTTCTCCCTCTCTGCTGCCGGCGTCACGCAGGAGCTGGCC-3'
Protein context (NP_000806.2, residues 345-365): VKVSRPRAEM[Asp355Glu]VRNAIVLFSL